The following is an entry in ClinVar:

ClinVar aggregate classification (germline): Conflicting classifications of pathogenicity. Review status: criteria provided, conflicting classifications (1 of 4 stars). 2 submissions from 2 submitters: Uncertain significance (1); Likely benign (1). Last evaluated 2024-12-17.

Conditions:
Inborn genetic diseases. Identifiers: MedGen C0950123, MeSH D030342.

Submissions (2):

Ambry Genetics
Classification: Likely benign for Inborn genetic diseases. Last evaluated: 2024-12-17. Review status: criteria provided, single submitter. Criteria: Ambry Variant Classification Scheme 2023. Collection method: clinical testing. Allele origin: germline.

Labcorp Genetics (formerly Invitae), Labcorp
Classification: Uncertain significance. Last evaluated: 2024-07-22. Review status: criteria provided, single submitter. Criteria: Invitae Variant Classification Sherloc (09022015). Collection method: clinical testing. Allele origin: germline.
Comment: This sequence change replaces phenylalanine, which is neutral and non-polar, with serine, which is neutral and polar, at codon 1067 of the ANKRD26 protein (p.Phe1067Ser). This variant is not present in population databases (gnomAD no frequency). This variant has not been reported in the literature in individuals affected with ANKRD26-related conditions. An algorithm developed to predict the effect of missense changes on protein structure and function outputs the following: PolyPhen-2: "Benign". The serine amino acid residue is found in multiple mammalian species, which suggests that this missense change does not adversely affect protein function. In summary, the available evidence is currently insufficient to determine the role of this variant in disease. Therefore, it has been classified as a Variant of Uncertain Significance.

NM_014915.3(ANKRD26):c.3200T>C (p.Phe1067Ser)

Gene: ANKRD26 (ankyrin repeat domain 26; minus strand). Cytogenetic location: 10p12.1.
Variant type: single nucleotide variant.
Coding change: c.3200T>C on transcript NM_014915.3 (MANE Select); coding-DNA position 3200, T replaced by C.
Protein change: p.Phe1067Ser; replaces phenylalanine 1067 with serine.
Molecular consequence: missense variant.
Genome position (GRCh38, 1-based): chr10:27,035,250, A>G on the plus strand (T>C on the coding strand, the complement: ANKRD26 is on the minus strand). VCF-style: chr10-27035250-A-G. GRCh37 (hg19) VCF-style: chr10-27324179-A-G.
Other names: c.3197T>C, p.Phe1066Ser (NM_001256053.2); short protein forms F1067S, F1066S.
Identifiers: ClinVar variation 3715387 (VCV003715387.3).